The following is an entry in ClinVar:

ClinVar aggregate classification (germline): Likely benign (1 of 4 stars; one submission).

Submission:

CeGaT Center for Human Genetics Tuebingen
Classification: Likely benign. Last evaluated: 2026-06-01. Review status: criteria provided, single submitter. Criteria: CeGaT Center For Human Genetics Tuebingen Variant Classification Criteria Version 2. Collection method: clinical testing. Allele origin: germline. Affected: yes. Observed: 5 variant alleles.
Comment: TNFRSF9: PM2:Supporting, BP4, BP7

NM_001561.6(TNFRSF9):c.564C>T (p.Ile188=)

Gene: TNFRSF9 (TNF receptor superfamily member 9; minus strand). Cytogenetic location: 1p36.23.
Variant type: single nucleotide variant.
Coding change: c.564C>T on transcript NM_001561.6 (MANE Select); coding-DNA position 564, C replaced by T.
Protein change: p.Ile188=; no amino-acid change (isoleucine 188 retained).
Molecular consequence: synonymous variant.
Genome position (GRCh38, 1-based): chr1:7,933,277, G>A on the plus strand (C>T on the coding strand, the complement: TNFRSF9 is on the minus strand). VCF-style: chr1-7933277-G-A. GRCh37 (hg19) VCF-style: chr1-7993337-G-A.
Identifiers: ClinVar variation 4281227 (VCV004281227.7).